The following is an entry in ClinVar:

NM_182961.4(SYNE1):c.8433C>T (p.Asp2811=)

Gene: SYNE1 (spectrin repeat containing nuclear envelope protein 1; minus strand). Cytogenetic location: 6q25.2.
Variant type: single nucleotide variant.
Coding change: c.8433C>T on transcript NM_182961.4 (MANE Select); coding-DNA position 8433, C replaced by T.
Protein change: p.Asp2811=; no amino-acid change (aspartic acid 2811 retained).
Molecular consequence: synonymous variant.
Genome position (GRCh38, 1-based): chr6:152,387,126, G>A on the plus strand (C>T on the coding strand, the complement: SYNE1 is on the minus strand). VCF-style: chr6-152387126-G-A. GRCh37 (hg19) VCF-style: chr6-152708261-G-A.
Other names: c.8454C>T, p.Asp2818= (NM_033071.5).
Identifiers: ClinVar variation 1135317 (VCV001135317.13), dbSNP rs375466040, ClinGen allele CA4057552.

ClinVar aggregate classification (germline): Likely benign. Review status: criteria provided, multiple submitters, no conflicts (2 of 4 stars). 3 submissions from 3 submitters: Likely benign (2). 1 of the submissions does not count toward it. Last evaluated 2025-07-07.

Conditions:
SYNE1-related disorder. Also called: SYNE1-related disorders; SYNE1-related disease; SYNE1-related condition.
Autosomal recessive ataxia, Beauce type. Also called: Spinocerebellar ataxia, autosomal recessive 8; ATAXIA, RECESSIVE, OF BEAUCE; SYNE1-Related Autosomal Recessive Cerebellar Ataxia; SYNE1 Deficiency. Identifiers: Orphanet 88644, MedGen C1853116, MONDO:0012549, OMIM 610743.
Emery-Dreifuss muscular dystrophy 4, autosomal dominant (EDMD4). Also called: EMERY-DREIFUSS MUSCULAR DYSTROPHY 4 WITH VARIABLE FEATURES. Identifiers: Orphanet 261, MedGen C2751807, MONDO:0013071, OMIM 612998.

Allele frequency attached by ClinVar (database versions not stated): gnomAD exomes 0.00002 and 0.00007; ExAC 0.00008; gnomAD 0.00021 and 0.00022; TOPMed 0.00027; ESP Exome Variant Server 0.00046.
gnomAD v4.1: 68 of 1,614,168 alleles (0.0042%); highest among the groups gnomAD compares: African/African-American, 0.085%; no homozygotes.

Submissions (3):

Labcorp Genetics (formerly Invitae), Labcorp
Classification: Likely benign for Emery-Dreifuss muscular dystrophy 4, autosomal dominant; Autosomal recessive ataxia, Beauce type. Last evaluated: 2025-07-07. Review status: criteria provided, single submitter. Criteria: Invitae Variant Classification Sherloc (09022015). Collection method: clinical testing. Allele origin: germline.

GeneDx
Classification: Likely benign. Last evaluated: 2019-11-05. Review status: criteria provided, single submitter. Criteria: GeneDx Variant Classification Process June 2021. Collection method: clinical testing. Allele origin: germline. Affected: yes.

PreventionGenetics, part of Exact Sciences
Classification: Likely benign for SYNE1-related condition. Last evaluated: 2022-04-07. Review status: no assertion criteria provided. Collection method: clinical testing. Allele origin: germline. Not counted in ClinVar's aggregate classification.
Comment: This variant is classified as likely benign based on ACMG/AMP sequence variant interpretation guidelines (Richards et al. 2015 PMID: 25741868, with internal and published modifications).